The following is an entry in ClinVar:

ClinVar aggregate classification (germline): Uncertain significance (1 of 4 stars; one submission).

Allele frequency attached by ClinVar (database versions not stated): gnomAD exomes below 0.00001.
gnomAD v4.1: 1 of 1,612,870 alleles (0.000062%); highest among the groups gnomAD compares: Non-Finnish European, 0.000085%; no homozygotes.

Submission:

Labcorp Genetics (formerly Invitae), Labcorp
Classification: Uncertain significance. Last evaluated: 2022-07-11. Review status: criteria provided, single submitter. Criteria: Invitae Variant Classification Sherloc (09022015). Collection method: clinical testing. Allele origin: germline.
Comment: This sequence change replaces arginine, which is basic and polar, with serine, which is neutral and polar, at codon 53 of the MYO18B protein (p.Arg53Ser). This variant is not present in population databases (gnomAD no frequency). This variant has not been reported in the literature in individuals affected with MYO18B-related conditions. Algorithms developed to predict the effect of missense changes on protein structure and function are either unavailable or do not agree on the potential impact of this missense change (SIFT: "Not Available"; PolyPhen-2: "Possibly Damaging"; Align-GVGD: "Not Available"). In summary, the available evidence is currently insufficient to determine the role of this variant in disease. Therefore, it has been classified as a Variant of Uncertain Significance.

NM_032608.7(MYO18B):c.159A>T (p.Arg53Ser)

Gene: MYO18B (myosin XVIIIB; plus strand). Cytogenetic location: 22q12.1.
Variant type: single nucleotide variant.
Coding change: c.159A>T on transcript NM_032608.7 (MANE Select); coding-DNA position 159, A replaced by T.
Protein change: p.Arg53Ser; replaces arginine 53 with serine.
Molecular consequence: missense variant.
Genome position (GRCh38, 1-based): chr22:25,763,350, A>T. VCF-style: chr22-25763350-A-T. GRCh37 (hg19) VCF-style: chr22-26159317-A-T.
Other names: c.159A>T, p.Arg53Ser (NM_001318245.2); short protein forms R53S.
Identifiers: ClinVar variation 1946304 (VCV001946304.2), dbSNP rs2517623551, ClinGen allele CA410999997.